The following is an entry in ClinVar:

NM_024675.4(PALB2):c.3202-10C>T

Gene: PALB2 (partner and localizer of BRCA2; minus strand). Cytogenetic location: 16p12.2.
Variant type: single nucleotide variant.
Coding change: c.3202-10C>T on transcript NM_024675.4 (MANE Select); 10 bases into the intron before coding-DNA position 3202, C replaced by T.
Molecular consequence: intron variant.
Genome position (GRCh38, 1-based): chr16:23,608,022, G>A on the plus strand (C>T on the coding strand, the complement: PALB2 is on the minus strand). VCF-style: chr16-23608022-G-A. GRCh37 (hg19) VCF-style: chr16-23619343-G-A.
Other names: c.2229-4353C>T (NM_001407308.1, NM_001407309.1); c.2317-10C>T (NM_001407306.1, NM_001407305.1, NM_001407304.1); c.736-10C>T (NM_001407314.1); c.1414-4353C>T (NM_001407313.1); c.1414-10C>T (NM_001407312.1); c.3142-10C>T (NM_001407296.1); c.3130-10C>T (NM_001407297.1); c.3040-4353C>T (NM_001407302.1); and 6 more.
Identifiers: ClinVar variation 3903959 (VCV003903959.1).
Genomic context (GRCh38, chr16:23,608,022, plus strand): 5'-CGACTCACTCTCTTTGGCACAGGGATGACTCAGGACAATAAAGAGAAGCCCCTAATTTCG[G>A]AGAAAAATAAATATCCCAAATAGACTGTCAAGAGTATGTCAGGAAAAATAAAGATCTGGC-3'

ClinVar aggregate classification (germline): Likely benign (1 of 4 stars; one submission).

Conditions:
Familial cancer of breast. Also called: Hereditary breast cancer; hereditary breast carcinoma; BREAST CANCER, FAMILIAL. Identifiers: Orphanet 227535, MedGen C0346153, MONDO:0016419, OMIM 114480. Disease mechanism: loss of function.

Submission:

Myriad Genetics, Inc.
Classification: Likely benign for Familial cancer of breast. Last evaluated: 2025-01-21. Review status: criteria provided, single submitter. Criteria: Myriad Autosomal Dominant, Autosomal Recessive and X-Linked Classification Criteria (2023). Collection method: clinical testing. Allele origin: unknown.
Comment: This variant is considered likely benign. This variant is intronic and is not expected to impact mRNA splicing.